The following is an entry in ClinVar:

NM_001379081.2(FREM1):c.630C>T (p.Ser210=)

Gene: FREM1 (FRAS1 related extracellular matrix 1; minus strand). Cytogenetic location: 9p22.3.
Variant type: single nucleotide variant.
Coding change: c.630C>T on transcript NM_001379081.2 (MANE Select); coding-DNA position 630, C replaced by T.
Protein change: p.Ser210=; no amino-acid change (serine 210 retained).
Molecular consequence: synonymous variant. On other transcripts: non-coding transcript variant (4).
Genome position (GRCh38, 1-based): chr9:14,859,184, G>A on the plus strand (C>T on the coding strand, the complement: FREM1 is on the minus strand). VCF-style: chr9-14859184-G-A. GRCh37 (hg19) VCF-style: chr9-14859182-G-A.
Other names: c.630C>T, p.Ser210= (NM_001370060.1, NM_001370063.1, NM_001370065.1 and 1 more transcripts).
Identifiers: ClinVar variation 4723290 (VCV004723290.1).

ClinVar aggregate classification (germline): Uncertain significance (1 of 4 stars; one submission).

Submission:

Labcorp Genetics (formerly Invitae), Labcorp
Classification: Uncertain significance. Last evaluated: 2025-07-21. Review status: criteria provided, single submitter. Criteria: Invitae Variant Classification Sherloc (09022015). Collection method: clinical testing. Allele origin: germline.
Comment: This sequence change affects codon 210 of the FREM1 mRNA. It is a 'silent' change, meaning that it does not change the encoded amino acid sequence of the FREM1 protein. It affects a nucleotide within the consensus splice site. This variant is not present in population databases (gnomAD no frequency). This variant has not been reported in the literature in individuals affected with FREM1-related conditions. Algorithms developed to predict the effect of sequence changes on RNA splicing suggest that this variant is not likely to affect RNA splicing. In summary, the available evidence is currently insufficient to determine the role of this variant in disease. Therefore, it has been classified as a Variant of Uncertain Significance.